The following is an entry in ClinVar:

ClinVar aggregate classification (germline): Likely pathogenic (1 of 4 stars; one submission).

Conditions:
Obesity due to prohormone convertase I deficiency. Also called: OBESITY AND ENDOCRINOPATHY DUE TO IMPAIRED PROCESSING OF PROHORMONES. Identifiers: Orphanet 71528, MedGen C1833053, MONDO:0010961, OMIM 600955.

Submission:

Lifecell International Pvt. Ltd
Classification: Likely pathogenic for Obesity due to prohormone convertase I deficiency. Review status: criteria provided, single submitter. Criteria: ACMG Guidelines, 2015. Collection method: clinical testing. Allele origin: germline. Inheritance: Autosomal recessive inheritance. Affected: yes. Observed: 1 homozygote.
Comment: A Homozygote Frameshift variant c.818delA in Exon 7 of the PCSK1 gene that results in the amino acid substitution p.Asp273fs*11 was identified. The observed variant is novel in gnomAD exomes and genomes, respectively. The severity of the impact of this variant on the protein is high, based on the effect of the protein and REVEL score . Rare Exome Variant Ensemble Learner (REVEL) is an ensembl method for predicting the pathogenicity of missense variants based on a combination of scores from 13 individual tools: MutPred, FATHMM v2.3, VEST 3.0, PolyPhen-2, SIFT, PROVEAN, MutationAssessor, MutationTaster, LRT, GERP++, SiPhy, phyloP, and phastCons. The REVEL score for an individual missense variant can range from 0 to 1, with higher scores reflecting greater likelihood that the variant is disease-causing. Based on the above evidence this variant has been classified as Likely Pathogenic according to the ACMG guidelines.

NM_000439.5(PCSK1):c.818del (p.Asp273fs)

Genes: PCSK1 (proprotein convertase subtilisin/kexin type 1; minus strand), CAST (calpastatin; plus strand), LOC101929710 (uncharacterized LOC101929710; plus strand). Cytogenetic location: 5q15.
Variant type: Deletion.
Coding change: c.818del on transcript NM_000439.5 (MANE Select); coding-DNA position 818, one base deleted (A; older notation c.818delA).
Protein change: p.Asp273fs; shifts the reading frame from aspartic acid 273.
Molecular consequence: frameshift variant.
Genome position (GRCh38, 1-based): chr5:96,412,382, T deleted on the plus strand (A on the coding strand, the reverse complement: PCSK1 is on the minus strand). VCF-style (leftmost placement, unchanged base first): chr5-96412381-AT-A. GRCh37 (hg19) VCF-style: chr5-95748085-AT-A.
Other names: c.677del, p.Asp226fs (NM_001177875.2); c.818delA (NM_000439.5); short protein forms D226fs, D273fs.
Identifiers: ClinVar variation 2501705 (VCV002501705.1), dbSNP rs2531513538, ClinGen allele CA2580613683.